The following is an entry in ClinVar:

NM_003482.4(KMT2D):c.2203T>C (p.Cys735Arg)

Gene: KMT2D (lysine methyltransferase 2D; minus strand). Cytogenetic location: 12q13.12.
Variant type: single nucleotide variant.
Coding change: c.2203T>C on transcript NM_003482.4 (MANE Select); coding-DNA position 2203, T replaced by C.
Protein change: p.Cys735Arg; replaces cysteine 735 with arginine.
Molecular consequence: missense variant.
Genome position (GRCh38, 1-based): chr12:49,051,480, A>G on the plus strand (T>C on the coding strand, the complement: KMT2D is on the minus strand). VCF-style: chr12-49051480-A-G. GRCh37 (hg19) VCF-style: chr12-49445263-A-G.
Other names: short protein forms C735R.
Identifiers: ClinVar variation 2800284 (VCV002800284.3), dbSNP rs2120670728, ClinGen allele CA384667649.

ClinVar aggregate classification (germline): Uncertain significance (1 of 4 stars; one submission).

Conditions:
Kabuki syndrome. Also called: NIIKAWA-KUROKI SYNDROME; Kabuki make-up syndrome. Identifiers: Orphanet 2322, MedGen C0796004, MONDO:0016512.

Submission:

Labcorp Genetics (formerly Invitae), Labcorp
Classification: Uncertain significance for Kabuki syndrome. Last evaluated: 2023-04-14. Review status: criteria provided, single submitter. Criteria: Invitae Variant Classification Sherloc (09022015). Collection method: clinical testing. Allele origin: germline.
Comment: This sequence change replaces cysteine, which is neutral and slightly polar, with arginine, which is basic and polar, at codon 735 of the KMT2D protein (p.Cys735Arg). This variant has not been reported in the literature in individuals affected with KMT2D-related conditions. This variant is not present in population databases (gnomAD no frequency). Advanced modeling of protein sequence and biophysical properties (such as structural, functional, and spatial information, amino acid conservation, physicochemical variation, residue mobility, and thermodynamic stability) performed at Invitae indicates that this missense variant is not expected to disrupt KMT2D protein function. In summary, the available evidence is currently insufficient to determine the role of this variant in disease. Therefore, it has been classified as a Variant of Uncertain Significance.